The following is an entry in ClinVar:

NM_080680.3(COL11A2):c.3946C>A (p.Pro1316Thr)

Gene: COL11A2 (collagen type XI alpha 2 chain; minus strand). Cytogenetic location: 6p21.32.
Variant type: single nucleotide variant.
Coding change: c.3946C>A on transcript NM_080680.3 (MANE Select); coding-DNA position 3946, C replaced by A.
Protein change: p.Pro1316Thr; replaces proline 1316 with threonine.
Molecular consequence: missense variant.
Genome position (GRCh38, 1-based): chr6:33,168,533, G>T on the plus strand (C>A on the coding strand, the complement: COL11A2 is on the minus strand). VCF-style: chr6-33168533-G-T. GRCh37 (hg19) VCF-style: chr6-33136310-G-T.
Other names: c.3625C>A, p.Pro1209Thr (NM_080679.3); c.3688C>A, p.Pro1230Thr (NM_080681.3); short protein forms P1316T, P1230T, P1209T.
Identifiers: ClinVar variation 46567 (VCV000046567.22), dbSNP rs2229784, ClinGen allele CA138632.

ClinVar aggregate classification (germline): Benign/Likely benign. Review status: criteria provided, multiple submitters, no conflicts (2 of 4 stars). 10 submissions from 9 submitters: Benign (9); Likely benign (1). Last evaluated 2026-05-09.

Conditions:
Fibrochondrogenesis 2 (FBCG2). Identifiers: Orphanet 2021, MedGen C3281128, MONDO:0013795, OMIM 614524.
Otospondylomegaepiphyseal dysplasia, autosomal recessive (OSMEDB). Also called: CHONDRODYSTROPHY WITH SENSORINEURAL DEAFNESS; Insley-Astley syndrome. Identifiers: Orphanet 1427, MedGen CN034493, MONDO:0044206, OMIM 215150.

Allele frequency attached by ClinVar (database versions not stated): ExAC 0.03444; gnomAD exomes 0.03489; ESP Exome Variant Server 0.04289; gnomAD 0.04365 and 0.04406; TOPMed 0.05109; 1000 Genomes Project 0.05751; 1000 Genomes Project 30x 0.05778.
gnomAD v4.1: 51,882 of 1,613,396 alleles (3.2%); highest among the groups gnomAD compares: East Asian, 8.1%; 1,133 homozygotes.

Submissions (10):

Women's Health and Genetics/Laboratory Corporation of America, LabCorp
Classification: Likely benign. Last evaluated: 2026-05-09. Review status: criteria provided, single submitter. Criteria: LabCorp Variant Classification Summary - May 2015. Collection method: clinical testing. Allele origin: germline.

Labcorp Genetics (formerly Invitae), Labcorp
Classification: Benign. Last evaluated: 2026-02-04. Review status: criteria provided, single submitter. Criteria: Invitae Variant Classification Sherloc (09022015). Collection method: clinical testing. Allele origin: germline.

Blueprint Genetics
Classification: Benign. Last evaluated: 2024-11-26. Review status: criteria provided, single submitter. Criteria: ACMG Guidelines, 2015. Collection method: clinical testing. Allele origin: germline.

Mayo Clinic Laboratories, Mayo Clinic
Classification: Benign. Last evaluated: 2022-04-17. Review status: criteria provided, single submitter. Criteria: ACMG Guidelines, 2015. Collection method: clinical testing. Allele origin: germline. Observed: 14 variant alleles.

Athena Diagnostics
Classification: Benign. Last evaluated: 2019-02-13. Review status: criteria provided, single submitter. Criteria: Athena Diagnostics Criteria. Collection method: clinical testing. Allele origin: germline.

Illumina Laboratory Services, Illumina
Classification: Benign for Otospondylomegaepiphyseal dysplasia, autosomal recessive. Last evaluated: 2018-01-13. Review status: criteria provided, single submitter. Criteria: ICSL Variant Classification Criteria 13 December 2019. Collection method: clinical testing. Allele origin: germline.
Comment: This variant was observed in the ICSL laboratory as part of a predisposition screen in an ostensibly healthy population. It had not been previously curated by ICSL or reported in the Human Gene Mutation Database (HGMD: prior to June 1st, 2018), and was therefore a candidate for classification through an automated scoring system. Utilizing variant allele frequency, disease prevalence and penetrance estimates, and inheritance mode, an automated score was calculated to assess if this variant is too frequent to cause the disease. Based on the score and internal cut-off values, a variant classified as benign is not then subjected to further curation. The score for this variant resulted in a classification of benign for this disease.

Illumina Laboratory Services, Illumina
Classification: Benign for Fibrochondrogenesis 2. Last evaluated: 2018-01-13. Review status: criteria provided, single submitter. Criteria: ICSL Variant Classification Criteria 13 December 2019. Collection method: clinical testing. Allele origin: germline.
Comment: the same text as in the submission from Illumina Laboratory Services, Illumina above.

GeneDx
Classification: Benign. Last evaluated: 2016-10-06. Review status: criteria provided, single submitter. Criteria: GeneDx Variant Classification (06012015). Collection method: clinical testing. Allele origin: germline. Affected: yes.
Comment: This variant is considered likely benign or benign based on one or more of the following criteria: it is a conservative change, it occurs at a poorly conserved position in the protein, it is predicted to be benign by multiple in silico algorithms, and/or has population frequency not consistent with disease.

Laboratory for Molecular Medicine, Mass General Brigham Personalized Medicine
Classification: Benign. Last evaluated: 2012-05-07. Review status: criteria provided, single submitter. Criteria: LMM Criteria. Collection method: clinical testing. Allele origin: germline. Observed: 135 variant alleles.
Comment: Pro1316Thr in Exon 54 of COL11A2: This variant is not expected to have clinical significance because it has been identified in 6.5% (196/3036) of African Americ an chromosomes from a broad population by the NHLBI Exome Sequencing Project (dbSNP rs2229784).

PreventionGenetics, part of Exact Sciences
Classification: Benign. Review status: criteria provided, single submitter. Criteria: ACMG Guidelines, 2015. Collection method: clinical testing. Allele origin: germline.